The following is an entry in ClinVar:

NM_000465.4(BARD1):c.2033A>C (p.Tyr678Ser)

Gene: BARD1 (BRCA1 associated RING domain 1; minus strand). Cytogenetic location: 2q35.
Variant type: single nucleotide variant.
Coding change: c.2033A>C on transcript NM_000465.4 (MANE Select); coding-DNA position 2033, A replaced by C.
Protein change: p.Tyr678Ser; replaces tyrosine 678 with serine.
Molecular consequence: missense variant. On other transcripts: non-coding transcript variant (3).
Genome position (GRCh38, 1-based): chr2:214,728,977, T>G on the plus strand (A>C on the coding strand, the complement: BARD1 is on the minus strand). VCF-style: chr2-214728977-T-G. GRCh37 (hg19) VCF-style: chr2-215593701-T-G.
Other names: c.1976A>C, p.Tyr659Ser (NM_001282543.2); c.680A>C, p.Tyr227Ser (NM_001282545.2); c.623A>C, p.Tyr208Ser (NM_001282548.2); c.494A>C, p.Tyr165Ser (NM_001282549.2); short protein forms Y165S, Y208S, Y227S, Y659S, Y678S.
Identifiers: ClinVar variation 1171438 (VCV001171438.3), dbSNP rs771766430, ClinGen allele CA350450763.
Genomic context (GRCh38, chr2:214,728,977, plus strand): 5'-CCTGCAGTGACGAGCTTAATAAGGTTGTCCTTTGGATGGTGTTTGAAGGTTCCCCACAAA[T>G]AGAAGTAGCATCCATCAAACAGCTTTGGCAACTGAAATAATGAGAAAACATTTGTTAAAG-3'
Protein context (NP_000456.2, residues 668-688): LPKLFDGCYF[Tyr678Ser]LWGTFKHHPK

ClinVar aggregate classification (germline): Uncertain significance (1 of 4 stars; one submission).

Conditions:
Hereditary cancer-predisposing syndrome. Also called: Tumor predisposition; Hereditary neoplastic syndrome; Hereditary Cancer Syndrome; Neoplastic Syndromes, Hereditary. Identifiers: Orphanet 140162, MedGen C0027672, MeSH D009386, MONDO:0015356.

Submission:

Color Diagnostics, LLC DBA Color Health
Classification: Uncertain significance for Hereditary cancer-predisposing syndrome. Last evaluated: 2024-03-06. Review status: criteria provided, single submitter. Criteria: ACMG Guidelines, 2015. Collection method: clinical testing. Allele origin: germline.
Comment: This missense variant replaces tyrosine with serine at codon 678 of the BARD1 protein. Computational prediction suggests that this variant may not impact protein structure and function (internally defined REVEL score threshold <= 0.5, PMID: 27666373). To our knowledge, functional studies have not been reported for this variant. This variant has not been reported in individuals affected with hereditary cancer in the literature. This variant has not been identified in the general population by the Genome Aggregation Database (gnomAD). The available evidence is insufficient to determine the role of this variant in disease conclusively. Therefore, this variant is classified as a Variant of Uncertain Significance.